The following is an entry in ClinVar:

ClinVar aggregate classification (germline): Uncertain significance (1 of 4 stars; one submission).

Conditions:
Centromeric instability of chromosomes 1,9 and 16 and immunodeficiency (ICF1). Also called: CENTROMERIC INSTABILITY, IMMUNODEFICIENCY SYNDROME; IMMUNE DEFICIENCY, VARIABLE, WITH CENTROMERIC INSTABILITY OF CHROMOSOMES 1, 9, AND 16; IMMUNODEFICIENCY SYNDROME, VARIABLE; Immunodeficiency-centromeric instability-facial anomalies. Identifiers: Orphanet 2268, MedGen C0398788, MONDO:0000133.

Submission:

Labcorp Genetics (formerly Invitae), Labcorp
Classification: Uncertain significance for Centromeric instability of chromosomes 1,9 and 16 and immunodeficiency. Last evaluated: 2021-11-08. Review status: criteria provided, single submitter. Criteria: Invitae Variant Classification Sherloc (09022015). Collection method: clinical testing. Allele origin: germline.
Comment: This variant has not been reported in the literature in individuals affected with DNMT3B-related conditions. Experimental studies and prediction algorithms are not available or were not evaluated, and the functional significance of this variant is currently unknown. In summary, the available evidence is currently insufficient to determine the role of this variant in disease. Therefore, it has been classified as a Variant of Uncertain Significance. This variant is not present in population databases (gnomAD no frequency). This variant, c.2035_2037del, results in the deletion of 1 amino acid(s) of the DNMT3B protein (p.Leu679del), but otherwise preserves the integrity of the reading frame.

NM_006892.4(DNMT3B):c.2032CTG[1] (p.Leu679del)

Gene: DNMT3B (DNA methyltransferase 3 beta; plus strand). Cytogenetic location: 20q11.21.
Variant type: Microsatellite.
Coding change: c.2032CTG[1] on transcript NM_006892.4 (MANE Select); one copy of the 3-base unit CTG starting at c.2032; the reference has two copies in a row; one copy, 3 bases deleted.
Protein change: p.Leu679del; deletes leucine 679.
Molecular consequence: inframe deletion.
Genome position (GRCh38, 1-based): chr20:32,801,316-32,801,318, CTG deleted; deleting any 3 consecutive bases within chr20:32,801,313-32,801,318 gives the same sequence; the position shown is the placement nearest the transcript's 3' end. VCF-style (leftmost placement, unchanged base first): chr20-32801312-CCTG-C. GRCh37 (hg19) VCF-style: chr20-31389118-CCTG-C.
Other names: c.1846CTG[1], p.Leu617del (NM_001207055.2); c.1744CTG[1], p.Leu583del (NM_001207056.2); c.1972CTG[1], p.Leu659del (NM_175848.2, NM_175849.2); c.2008CTG[1], p.Leu671del (NM_175850.3); short protein forms L583del, L617del, L659del, L671del, L679del.
Identifiers: ClinVar variation 1479775 (VCV001479775.6), dbSNP rs2146052530, ClinGen allele CA2580615012.